The following is an entry in ClinVar:

ClinVar aggregate classification (germline): Pathogenic (1 of 4 stars; one submission).

Conditions:
Neurofibromatosis, type 1 (NF1). Also called: VON RECKLINGHAUSEN DISEASE; Peripheral type neurofibromatosis; NEUROFIBROMATOSIS, TYPE I, SOMATIC; Neurofibromatosis, type I. Identifiers: Orphanet 636, MedGen C0027831, MONDO:0018975, OMIM 162200. Disease mechanism: loss of function.

Submission:

Labcorp Genetics (formerly Invitae), Labcorp
Classification: Pathogenic for Neurofibromatosis, type 1. Last evaluated: 2020-03-11. Review status: criteria provided, single submitter. Criteria: Invitae Variant Classification Sherloc (09022015). Collection method: clinical testing. Allele origin: germline.
Comment: This variant has been reported in individuals in the Leiden Open-source Variation Database (PMID: 21520333). Algorithms developed to predict the effect of sequence changes on RNA splicing suggest that this variant may disrupt the consensus splice site, but this prediction has not been confirmed by published transcriptional studies. Loss-of-function variants in NF1 are known to be pathogenic (PMID: 10712197, 23913538). For these reasons, this variant has been classified as Pathogenic. This variant is not present in population databases (ExAC no frequency). This sequence change creates a premature translational stop signal (p.Ile1734Leufs*8) in the NF1 gene. It is expected to result in an absent or disrupted protein product.

Literature cited by the submitters: PubMed 21520333; PubMed 10712197; PubMed 23913538.

NM_001042492.3(NF1):c.5262_5268del (p.Ile1755fs)

Gene: NF1 (neurofibromin 1; plus strand). Cytogenetic location: 17q11.2.
Variant type: Deletion.
Coding change: c.5262_5268del on transcript NM_001042492.3 (MANE Select); coding-DNA positions 5262 to 5268, 7 bases deleted (TATTAAA; older notation c.5262_5268delTATTAAA).
Protein change: p.Ile1755fs; shifts the reading frame from isoleucine 1755.
Molecular consequence: frameshift variant.
Genome position (GRCh38, 1-based): chr17:31,326,246-31,326,252, TATTAAA deleted. VCF-style (leftmost placement, unchanged base first): chr17-31326245-CTATTAAA-C. GRCh37 (hg19) VCF-style: chr17-29653263-CTATTAAA-C.
Other names: c.5199_5205delTATTAAA, p.Ile1734Leufs (NM_000267.4); short protein forms I1734fs, I1755fs.
Identifiers: ClinVar variation 1073801 (VCV001073801.5), dbSNP rs2151539106, ClinGen allele CA2499224164.